The following is an entry in ClinVar:

ClinVar aggregate classification (germline): Uncertain significance (1 of 4 stars; one submission).

Conditions:
Atrial fibrillation, familial, 18 (ATFB18). Identifiers: MedGen C4310636, MONDO:0015001, OMIM 617280.

Allele frequency attached by ClinVar (database versions not stated): gnomAD exomes below 0.00001.
gnomAD v4.1: 1 of 1,614,220 alleles (0.000062%); highest among the groups gnomAD compares: Non-Finnish European, 0.000085%; no homozygotes.

Submission:

Labcorp Genetics (formerly Invitae), Labcorp
Classification: Uncertain significance for Atrial fibrillation, familial, 18. Last evaluated: 2023-05-01. Review status: criteria provided, single submitter. Criteria: Invitae Variant Classification Sherloc (09022015). Collection method: clinical testing. Allele origin: germline.
Comment: In summary, the available evidence is currently insufficient to determine the role of this variant in disease. Therefore, it has been classified as a Variant of Uncertain Significance. An algorithm developed to predict the effect of missense changes on protein structure and function (PolyPhen-2) suggests that this variant is likely to be disruptive. ClinVar contains an entry for this variant (Variation ID: 1461155). This variant has not been reported in the literature in individuals affected with MYL4-related conditions. This variant is present in population databases (no rsID available, gnomAD 0.0009%). This sequence change replaces tyrosine, which is neutral and polar, with asparagine, which is neutral and polar, at codon 75 of the MYL4 protein (p.Tyr75Asn).

NM_002476.2(MYL4):c.223T>A (p.Tyr75Asn)

Gene: MYL4 (myosin light chain 4; plus strand). Cytogenetic location: 17q21.32.
Variant type: single nucleotide variant.
Coding change: c.223T>A on transcript NM_002476.2 (MANE Select); coding-DNA position 223, T replaced by A.
Protein change: p.Tyr75Asn; replaces tyrosine 75 with asparagine.
Molecular consequence: missense variant.
Genome position (GRCh38, 1-based): chr17:47,219,963, T>A. VCF-style: chr17-47219963-T-A. GRCh37 (hg19) VCF-style: chr17-45297329-T-A.
Other names: c.223T>A, p.Tyr75Asn (NM_001002841.2); short protein forms Y75N.
Identifiers: ClinVar variation 1461155 (VCV001461155.6), dbSNP rs1184329279, ClinGen allele CA400020953.